The following is an entry in ClinVar:

NM_001244710.2(GFPT1):c.*4274A>T

Gene: GFPT1 (glutamine--fructose-6-phosphate transaminase 1; minus strand). Cytogenetic location: 2p13.3.
Variant type: single nucleotide variant.
Coding change: c.*4274A>T on transcript NM_001244710.2 (MANE Select); 4274 bases downstream of the stop codon, A replaced by T.
Molecular consequence: 3 prime UTR variant.
Genome position (GRCh38, 1-based): chr2:69,321,915, T>A on the plus strand (A>T on the coding strand, the complement: GFPT1 is on the minus strand). VCF-style: chr2-69321915-T-A. GRCh37 (hg19) VCF-style: chr2-69549047-T-A.
Other names: c.*4274A>T (NM_002056.4).
Identifiers: ClinVar variation 336804 (VCV000336804.5), dbSNP rs142243075, ClinGen allele CA10615985.

ClinVar aggregate classification (germline): Likely benign (1 of 4 stars; one submission).

Conditions:
Congenital myasthenic syndrome 12 (CMS12). Also called: MYASTHENIC SYNDROME, CONGENITAL, WITH TUBULAR AGGREGATES 1; Myasthenia, congenital, 12, with tubular aggregates. Identifiers: Orphanet 353327, Orphanet 590, MedGen C3552335, MONDO:0012518, OMIM 610542.

Allele frequency attached by ClinVar (database versions not stated): gnomAD 0.00228 and 0.00237; TOPMed 0.00245; 1000 Genomes Project 0.00359.
gnomAD v4.1: 344 of 151,810 alleles (0.23%); highest among the groups gnomAD compares: African/African-American, 0.79%; 1 homozygote.

Submission:

Illumina Laboratory Services, Illumina
Classification: Likely benign for Congenital myasthenic syndrome 12. Last evaluated: 2018-01-12. Review status: criteria provided, single submitter. Criteria: ICSL Variant Classification Criteria 13 December 2019. Collection method: clinical testing. Allele origin: germline.
Comment: This variant was observed in the ICSL laboratory as part of a predisposition screen in an ostensibly healthy population. It had not been previously curated by ICSL or reported in the Human Gene Mutation Database (HGMD: prior to June 1st, 2018), and was therefore a candidate for classification through an automated scoring system. Utilizing variant allele frequency, disease prevalence and penetrance estimates, and inheritance mode, an automated score was calculated to assess if this variant is too frequent to cause the disease. Based on the score and internal cut-off values, a variant classified as likely benign is not then subjected to further curation. The score for this variant resulted in a classification of likely benign for this disease.